The following is an entry in ClinVar:

ClinVar aggregate classification (germline): Uncertain significance (1 of 4 stars; one submission).

Allele frequency attached by ClinVar (database versions not stated): gnomAD exomes below 0.00001.
gnomAD v4.1: 1 of 1,611,158 alleles (0.000062%); no homozygotes.

Submission:

Labcorp Genetics (formerly Invitae), Labcorp
Classification: Uncertain significance. Last evaluated: 2022-10-04. Review status: criteria provided, single submitter. Criteria: Invitae Variant Classification Sherloc (09022015). Collection method: clinical testing. Allele origin: germline.
Comment: In summary, the available evidence is currently insufficient to determine the role of this variant in disease. Therefore, it has been classified as a Variant of Uncertain Significance. Algorithms developed to predict the effect of missense changes on protein structure and function are either unavailable or do not agree on the potential impact of this missense change (SIFT: "Deleterious"; PolyPhen-2: "Benign"; Align-GVGD: "Class C0"). This variant has not been reported in the literature in individuals affected with RP1-related conditions. This variant is not present in population databases (gnomAD no frequency). This sequence change replaces glutamic acid, which is acidic and polar, with valine, which is neutral and non-polar, at codon 1969 of the RP1 protein (p.Glu1969Val).

NM_006269.2(RP1):c.5906A>T (p.Glu1969Val)

Genes: RP1 (RP1 axonemal microtubule associated; plus strand), LOC126860392 (CDK7 strongly-dependent group 2 enhancer GRCh37_chr8:55541319-55542518; plus strand). Cytogenetic location: 8q12.1.
Variant type: single nucleotide variant.
Coding change: c.5906A>T on transcript NM_006269.2 (MANE Select); coding-DNA position 5906, A replaced by T.
Protein change: p.Glu1969Val; replaces glutamic acid 1969 with valine.
Molecular consequence: missense variant. On other transcripts: intron variant (1).
Genome position (GRCh38, 1-based): chr8:54,629,788, A>T. VCF-style: chr8-54629788-A-T. GRCh37 (hg19) VCF-style: chr8-55542348-A-T.
Other names: c.787+7500A>T (NM_001375654.1); short protein forms E1969V.
Identifiers: ClinVar variation 1720987 (VCV001720987.6), dbSNP rs1806198727, ClinGen allele CA370988492.